The following is an entry in ClinVar:

ClinVar aggregate classification (germline): Likely benign. Review status: criteria provided, multiple submitters, no conflicts (2 of 4 stars). 4 submissions from 4 submitters: Likely benign (2). 2 of the submissions do not count toward it. Last evaluated 2023-11-08.

Conditions:
Bifunctional peroxisomal enzyme deficiency (DBIF). Also called: D-bifunctional protein deficiency; DBP DEFICIENCY; PBFE DEFICIENCY. Identifiers: Orphanet 300, MedGen C0342870, MONDO:0009855, OMIM 261515. Disease mechanism: loss of function.
HSD17B4-related disorder. Also called: HSD17B4-related disorders; HSD17B4-related condition.
Perrault syndrome. Also called: Gonadal dysgenesis with auditory dysfunction, autosomal recessive inheritance. Identifiers: Orphanet 2855, MedGen C0685838, MONDO:0017312.

Allele frequency attached by ClinVar (database versions not stated): ExAC 0.00001; gnomAD exomes 0.00001 and 0.00002.
gnomAD v4.1: 29 of 1,613,508 alleles (0.0018%); highest among the groups gnomAD compares: African/African-American, 0.0027%; no homozygotes.

Submissions (4):

Labcorp Genetics (formerly Invitae), Labcorp
Classification: Likely benign for Perrault syndrome; Bifunctional peroxisomal enzyme deficiency. Last evaluated: 2023-11-08. Review status: criteria provided, single submitter. Criteria: Invitae Variant Classification Sherloc (09022015). Collection method: clinical testing. Allele origin: germline.

GeneDx
Classification: Likely benign. Last evaluated: 2018-05-18. Review status: criteria provided, single submitter. Criteria: GeneDx Variant Classification (06012015). Collection method: clinical testing. Allele origin: germline. Affected: yes.
Comment: This variant is considered likely benign or benign based on one or more of the following criteria: it is a conservative change, it occurs at a poorly conserved position in the protein, it is predicted to be benign by multiple in silico algorithms, and/or has population frequency not consistent with disease.

Natera, Inc.
Classification: Likely benign for Bifunctional peroxisomal enzyme deficiency. Last evaluated: 2021-03-31. Review status: no assertion criteria provided. Collection method: clinical testing. Allele origin: germline. Not counted in ClinVar's aggregate classification.

PreventionGenetics, part of Exact Sciences
Classification: Likely benign for HSD17B4-related condition. Last evaluated: 2019-05-14. Review status: no assertion criteria provided. Collection method: clinical testing. Allele origin: germline. Not counted in ClinVar's aggregate classification.
Comment: This variant is classified as likely benign based on ACMG/AMP sequence variant interpretation guidelines (Richards et al. 2015 PMID: 25741868, with internal and published modifications).

NM_000414.4(HSD17B4):c.597G>A (p.Arg199=)

Gene: HSD17B4 (hydroxysteroid 17-beta dehydrogenase 4; plus strand). Cytogenetic location: 5q23.1.
Variant type: single nucleotide variant.
Coding change: c.597G>A on transcript NM_000414.4 (MANE Select); coding-DNA position 597, G replaced by A.
Protein change: p.Arg199=; no amino-acid change (arginine 199 retained).
Molecular consequence: synonymous variant.
Genome position (GRCh38, 1-based): chr5:119,478,996, G>A. VCF-style: chr5-119478996-G-A. GRCh37 (hg19) VCF-style: chr5-118814691-G-A.
Other names: c.672G>A, p.Arg224= (NM_001199291.3); c.543G>A, p.Arg181= (NM_001199292.2); c.525G>A, p.Arg175= (NM_001292027.2); c.177G>A, p.Arg59= (NM_001292028.2).
Identifiers: ClinVar variation 668261 (VCV000668261.13), dbSNP rs770261826, ClinGen allele CA3381887.
Genomic context (GRCh38, chr5:119,478,996, plus strand): 5'-AATTGAAGGCAGGAAAAGCAACATTCATTGTAACACCATTGCTCCTAATGCGGGATCACG[G>A]ATGACTCAGACAGTTATGCCTGAAGGTAAGTAAGCAAGCTTATATTTTTCAGTGCTGTTA-3'
Protein context (NP_000405.1, residues 189-209): CNTIAPNAGS[Arg199=]MTQTVMPEDL